The following is an entry in ClinVar:

NM_005633.4(SOS1):c.2225T>C (p.Ile742Thr)

Gene: SOS1 (SOS Ras/Rac guanine nucleotide exchange factor 1; minus strand). Cytogenetic location: 2p22.1.
Variant type: single nucleotide variant.
Coding change: c.2225T>C on transcript NM_005633.4 (MANE Select); coding-DNA position 2225, T replaced by C.
Protein change: p.Ile742Thr; replaces isoleucine 742 with threonine.
Molecular consequence: missense variant.
Genome position (GRCh38, 1-based): chr2:39,012,291, A>G on the plus strand (T>C on the coding strand, the complement: SOS1 is on the minus strand). VCF-style: chr2-39012291-A-G. GRCh37 (hg19) VCF-style: chr2-39239432-A-G.
Other names: c.2204T>C, p.Ile735Thr (NM_001382394.1); c.2225T>C, p.Ile742Thr (NM_001382395.1); short protein forms I735T, I742T.
Identifiers: ClinVar variation 993880 (VCV000993880.59), dbSNP rs767494615, ClinGen allele CA1624440.

ClinVar aggregate classification (germline): Conflicting classifications of pathogenicity. Review status: criteria provided, conflicting classifications (1 of 4 stars). 6 submissions from 6 submitters: Uncertain significance (1); Likely benign (5). Last evaluated 2025-12-16.

Conditions:
RASopathy. Also called: rasopathies; Noonan spectrum disorder. Identifiers: Orphanet 536391, MedGen C5555857, MONDO:0021060.
Cardiovascular phenotype. Identifiers: MedGen CN230736.

Allele frequency attached by ClinVar (database versions not stated): ExAC 0.00004; gnomAD 0.00005 and 0.00006; TOPMed 0.00005; gnomAD exomes 0.00007.
gnomAD v4.1: 134 of 1,612,794 alleles (0.0083%); highest among the groups gnomAD compares: Non-Finnish European, 0.01%; no homozygotes.

Submissions (6):

Labcorp Genetics (formerly Invitae), Labcorp
Classification: Likely benign for RASopathy. Last evaluated: 2025-12-16. Review status: criteria provided, single submitter. Criteria: Invitae Variant Classification Sherloc (09022015). Collection method: clinical testing. Allele origin: germline.

Ambry Genetics
Classification: Likely benign for Cardiovascular phenotype. Last evaluated: 2024-09-30. Review status: criteria provided, single submitter. Criteria: Ambry Variant Classification Scheme 2023. Collection method: clinical testing. Allele origin: germline.

Blueprint Genetics
Classification: Likely benign. Last evaluated: 2023-10-19. Review status: criteria provided, single submitter. Criteria: ACMG Guidelines, 2015. Collection method: clinical testing. Allele origin: germline.

Women's Health and Genetics/Laboratory Corporation of America, LabCorp
Classification: Likely benign. Last evaluated: 2023-01-30. Review status: criteria provided, single submitter. Criteria: LabCorp Variant Classification Summary - May 2015. Collection method: clinical testing. Allele origin: germline.
Comment: Variant summary: SOS1 c.2225T>C (p.Ile742Thr) results in a non-conservative amino acid change in the encoded protein sequence. Three of five in-silico tools predict a benign effect of the variant on protein function. The variant allele was found at a frequency of 6.8e-05 in 251084 control chromosomes, predominantly at a frequency of 0.00011 within the Non-Finnish European subpopulation in the gnomAD database. The observed variant frequency within Non-Finnish European control individuals in the gnomAD database is approximately 4 fold of the estimated maximal expected allele frequency for a pathogenic variant in SOS1 causing Noonan Syndrome phenotype (3e-05), strongly suggesting that the variant is a benign polymorphism found primarily in populations of Non-Finnish European origin. To our knowledge, no occurrence of c.2225T>C in individuals affected with Noonan Syndrome and no experimental evidence demonstrating its impact on protein function have been reported. Three clinical diagnostic laboratories have submitted clinical-significance assessments for this variant to ClinVar after 2014 and classified the variant as likely benign (n=2) and Uncertain significance (n=1). Based on the evidence outlined above, the variant was classified as likely benign.

GeneDx
Classification: Likely benign. Last evaluated: 2021-03-09. Review status: criteria provided, single submitter. Criteria: GeneDx Variant Classification Process June 2021. Collection method: clinical testing. Allele origin: germline. Affected: yes.

ARUP Laboratories, Molecular Genetics and Genomics, ARUP Laboratories
Classification: Uncertain significance. Last evaluated: 2020-01-08. Review status: criteria provided, single submitter. Criteria: ARUP Molecular Germline Variant Investigation Process. Collection method: clinical testing. Allele origin: germline.
Comment: The SOS1 c.2225T>C; p.Ile742Thr variant (rs767494615), to our knowledge, is not reported in the medical literature or gene specific databases. This variant is found in the non-Finnish European population with an allele frequency of 0.010% (13/128840 alleles) in the Genome Aggregation Database. The isoleucine at codon 742 is weakly conserved, and computational analyses (SIFT, PolyPhen-2) predict that this variant is tolerated. Due to limited information, the clinical significance of the p.Ile742Thr variant is uncertain at this time.